The following is an entry in ClinVar:

ClinVar aggregate classification (germline): Uncertain significance. Review status: reviewed by expert panel (3 of 4 stars). 3 submissions from 2 submitters: Uncertain significance (1). 2 of the submissions do not count toward it. Last evaluated 2021-05-07.

Conditions:
Fanconi anemia complementation group I (FANCI). Also called: FANCI-Related Fanconi Anemia. Identifiers: Orphanet 84, MedGen C1836861, MONDO:0012186, OMIM 609053.
POLG-related disorder. Also called: POLG-Related Spectrum Disorders; POLG-related condition; POLG-Related Disorders. Identifiers: MedGen C4763519.
Mitochondrial disease. Also called: Mitochondrial disorders; Mitochondrial disorder. Identifiers: Orphanet 68380, MedGen C0751651, MeSH D028361, MONDO:0044970.

Allele frequency attached by ClinVar (database versions not stated): gnomAD 0.00009; gnomAD exomes 0.00011; TOPMed 0.00011.
gnomAD v4.1: 128 of 1,144,802 alleles (0.011%); highest among the groups gnomAD compares: Non-Finnish European, 0.016%; no homozygotes.

Submissions (3):

ClinGen Mitochondrial Disease Nuclear and Mitochondrial  Variant Curation Expert Panel, ClinGen
Classification: Uncertain significance for Mitochondrial disease. Last evaluated: 2021-05-07. Review status: reviewed by expert panel. Criteria: ClinGen Mito Disease ACMG Specifications v1. Collection method: curation. Allele origin: germline. Inheritance: Autosomal recessive inheritance.
Comment: The c.122G>A (p.Arg42) variant in POLG has been observed in population database gnomAD at 0.03% (PM2). This variant has been observed in 1 case with another molecular cause - a large scale mitochondrial DNA deletion with clinical features of Kearns Sayre Syndrome (BP5; PMID: 21378381). In summary, there is not sufficient evidence to characterize this variant as pathogenic or benign, therefore it is characterized as a variant of uncertain significance for primary mitochondrial disease inherited in an autosomal recessive manner. ntDNA Mitochondrial ACMG-AMP Criteria for POLG applied: PM2, BP5.

Illumina Laboratory Services, Illumina
Classification: Uncertain significance for Fanconi anemia complementation group I. Last evaluated: 2018-01-13. Review status: criteria provided, single submitter. Criteria: ICSL Variant Classification Criteria 13 December 2019. Collection method: clinical testing. Allele origin: germline. Not counted in ClinVar's aggregate classification.

Illumina Laboratory Services, Illumina
Classification: Uncertain significance for POLG-Related Spectrum Disorders. Last evaluated: 2018-01-12. Review status: criteria provided, single submitter. Criteria: ICSL Variant Classification Criteria 13 December 2019. Collection method: clinical testing. Allele origin: germline. Not counted in ClinVar's aggregate classification.

NM_002693.3(POLG):c.*122G>A

Genes: FANCI (FA complementation group I; plus strand), POLG (DNA polymerase gamma, catalytic subunit; minus strand). Cytogenetic location: 15q26.1.
Variant type: single nucleotide variant.
Coding change: c.*122G>A on transcript NM_002693.3 (MANE Select); 122 bases downstream of the stop codon, G replaced by A.
Molecular consequence: 3 prime UTR variant.
Genome position (GRCh38, 1-based): chr15:89,316,629, C>T on the plus strand (G>A on the coding strand, the complement: POLG is on the minus strand). VCF-style: chr15-89316629-C-T. GRCh37 (hg19) VCF-style: chr15-89859860-C-T.
Other names: c.*122G>A (NM_001126131.2, NM_002693.2); c.*170C>T (NM_001113378.2, NM_001376910.1, NM_001376911.1 and 1 more transcripts).
Identifiers: ClinVar variation 317304 (VCV000317304.7), dbSNP rs886051517, ClinGen allele CA10647460.